The following is an entry in ClinVar:

ClinVar aggregate classification (germline): Likely benign. Review status: criteria provided, single submitter (1 of 4 stars). 2 submissions from 2 submitters: Likely benign (1). 1 of the submissions does not count toward it. Last evaluated 2025-11-27.

Conditions:
RAI1-related disorder. Also called: RAI1-related condition.

Allele frequency attached by ClinVar (database versions not stated): ExAC 0.00002; gnomAD exomes 0.00002; ESP Exome Variant Server 0.00008; 1000 Genomes Project 0.00020; TOPMed below 0.00001; gnomAD 0.00003; 1000 Genomes Project 30x 0.00016.
gnomAD v4.1: 20 of 1,612,080 alleles (0.0012%); highest among the groups gnomAD compares: East Asian, 0.0022%; no homozygotes.

Submissions (2):

Labcorp Genetics (formerly Invitae), Labcorp
Classification: Likely benign. Last evaluated: 2025-11-27. Review status: criteria provided, single submitter. Criteria: Invitae Variant Classification Sherloc (09022015). Collection method: clinical testing. Allele origin: germline.

PreventionGenetics, part of Exact Sciences
Classification: Likely benign for RAI1-related condition. Last evaluated: 2022-03-16. Review status: no assertion criteria provided. Collection method: clinical testing. Allele origin: germline. Not counted in ClinVar's aggregate classification.
Comment: This variant is classified as likely benign based on ACMG/AMP sequence variant interpretation guidelines (Richards et al. 2015 PMID: 25741868, with internal and published modifications).

NM_030665.4(RAI1):c.3663G>A (p.Ala1221=)

Gene: RAI1 (retinoic acid induced 1; plus strand). Cytogenetic location: 17p11.2.
Variant type: single nucleotide variant.
Coding change: c.3663G>A on transcript NM_030665.4 (MANE Select); coding-DNA position 3663, G replaced by A.
Protein change: p.Ala1221=; no amino-acid change (alanine 1221 retained).
Molecular consequence: synonymous variant.
Genome position (GRCh38, 1-based): chr17:17,796,611, G>A. VCF-style: chr17-17796611-G-A. GRCh37 (hg19) VCF-style: chr17-17699925-G-A.
Other names: c.3663G>A (NM_030665.3).
Identifiers: ClinVar variation 1622250 (VCV001622250.10), dbSNP rs377730234, ClinGen allele CA8418776.